The following is an entry in ClinVar:

NM_001368894.2(PAX6):c.63_70del (p.Pro22fs)

Gene: PAX6 (paired box 6; minus strand). Cytogenetic location: 11p13.
Variant type: Deletion.
Coding change: c.63_70del on transcript NM_001368894.2 (MANE Select); coding-DNA positions 63 to 70, 8 bases deleted (GCCGGACT; older notation c.63_70delGCCGGACT).
Protein change: p.Pro22fs; shifts the reading frame from proline 22.
Molecular consequence: frameshift variant. On other transcripts: 5 prime UTR variant (12), non-coding transcript variant (2), intron variant (2).
Genome position (GRCh38, 1-based): chr11:31,802,775-31,802,782, AGTCCGGC deleted on the plus strand (GCCGGACT on the coding strand, the reverse complement: PAX6 is on the minus strand); deleting any 8 consecutive bases within chr11:31,802,775-31,802,785 gives the same sequence; the c. name uses the placement nearest the transcript's 3' end. VCF-style (leftmost placement, unchanged base first): chr11-31802774-GAGTCCGGC-G. GRCh37 (hg19) VCF-style: chr11-31824322-GAGTCCGGC-G.
Other names: c.-346_-339del (NM_001368906.2, NM_001368907.2, NM_001368899.2 and 1 more transcripts); c.-388_-381del (NM_001368908.2, NM_001368929.2, NM_001368900.2 and 2 more transcripts); c.306_313del, p.Pro103fs (NM_001368910.2); c.66_73del, p.Pro23fs (NM_001368911.2); c.63_70del, p.Pro22fs (NM_001368912.2, NM_001368913.2, NM_001368914.2 and 30 more transcripts); c.-267-1006_-267-999del (NM_001368909.2, NM_001368904.2); c.-677_-670del (NM_001368902.2); c.-719_-712del (NM_001368905.2, NM_001310160.2); and 1 more; short protein forms P103fs, P22fs, P23fs.
Identifiers: ClinVar variation 4539960 (VCV004539960.1).

ClinVar aggregate classification (germline): Pathogenic (1 of 4 stars; one submission).

Submission:

GeneDx
Classification: Pathogenic. Last evaluated: 2025-06-23. Review status: criteria provided, single submitter. Criteria: GeneDx Variant Classification Process June 2021. Collection method: clinical testing. Allele origin: germline. Affected: yes.
Comment: Frameshift variant predicted to result in protein truncation or nonsense mediated decay in a gene for which loss of function is a known mechanism of disease; Not observed at significant frequency in large population cohorts (gnomAD); This variant is associated with the following publications: (PMID: 26661695)